The following is an entry in ClinVar:

NM_014639.4(SKIC3):c.642+1G>A

Gene: SKIC3 (SKI3 subunit of superkiller complex; minus strand). Cytogenetic location: 5q15.
Variant type: single nucleotide variant.
Coding change: c.642+1G>A on transcript NM_014639.4 (MANE Select); the canonical splice donor site of the intron after coding-DNA position 642, G replaced by A.
Molecular consequence: splice donor variant.
Genome position (GRCh38, 1-based): chr5:95,537,042, C>T on the plus strand (G>A on the coding strand, the complement: SKIC3 is on the minus strand). VCF-style: chr5-95537042-C-T. GRCh37 (hg19) VCF-style: chr5-94872746-C-T.
Identifiers: ClinVar variation 1311355 (VCV001311355.12), dbSNP rs538894487, ClinGen allele CA3347566.
Genomic context (GRCh38, chr5:95,537,042, plus strand): 5'-GAACACTTTCCTAATTAGAAATACATACAAGTCACATTAGAGATTTAAAAAATCAACTTA[C>T]TTTGGATAAACTCTGAATGAAATGCCTATAAAGTACTTGGTGATCTTCACTAGGAATCTT-3'

ClinVar aggregate classification (germline): Conflicting classifications of pathogenicity. Review status: criteria provided, conflicting classifications (1 of 4 stars). 4 submissions from 4 submitters: Likely pathogenic (3); Uncertain significance (1). Last evaluated 2025-12-29.

Conditions:
Trichohepatoenteric syndrome. Also called: THE SYNDROME; Syndromic diarrhea; Tricho-hepato-enteric syndrome. Identifiers: Orphanet 84064, MedGen C1857276, MONDO:0009105.
Trichohepatoenteric syndrome 1 (THES1). Also called: DIARRHEA, FATAL INFANTILE, WITH TRICHORRHEXIS NODOSA. Identifiers: Orphanet 84064, MedGen C4551982, MONDO:0024541, OMIM 222470.

Allele frequency attached by ClinVar (database versions not stated): TOPMed below 0.00001; gnomAD 0.00001; gnomAD exomes 0.00003 and 0.00008; ExAC 0.00007; 1000 Genomes Project 0.00020; 1000 Genomes Project 30x 0.00031.
gnomAD v4.1: 50 of 1,613,196 alleles (0.0031%); highest among the groups gnomAD compares: South Asian, 0.053%; 1 homozygote.

Submissions (4):

Labcorp Genetics (formerly Invitae), Labcorp
Classification: Likely pathogenic. Last evaluated: 2025-12-29. Review status: criteria provided, single submitter. Criteria: Invitae Variant Classification Sherloc (09022015). Collection method: clinical testing. Allele origin: germline.
Comment: This sequence change affects a donor splice site in intron 9 of the TTC37 gene. It is expected to disrupt RNA splicing. Variants that disrupt the donor or acceptor splice site typically lead to a loss of protein function (PMID: 16199547), and loss-of-function variants in TTC37 are known to be pathogenic (PMID: 20176027, 21120949). This variant is present in population databases (rs538894487, gnomAD 0.07%). This variant has not been reported in the literature in individuals affected with TTC37-related conditions. ClinVar contains an entry for this variant (Variation ID: 1311355). Algorithms developed to predict the effect of sequence changes on RNA splicing suggest that this variant may disrupt the consensus splice site. In summary, the currently available evidence indicates that the variant is pathogenic, but additional data are needed to prove that conclusively. Therefore, this variant has been classified as Likely Pathogenic.

Women's Health and Genetics/Laboratory Corporation of America, LabCorp
Classification: Likely pathogenic for Trichohepatoenteric syndrome. Last evaluated: 2025-02-24. Review status: criteria provided, single submitter. Criteria: LabCorp Variant Classification Summary - May 2015. Collection method: clinical testing. Allele origin: germline.
Comment: Variant summary: SKIC3 c.642+1G>A is located in a canonical splice-site and is predicted to affect mRNA splicing resulting in a significantly altered protein due to either exon skipping, shortening, or inclusion of intronic material. Variants that disrupt the consensus splice site are a relatively common cause of aberrant splicing and loss of SKIC3 function. Several computational tools predict a significant impact on normal splicing: Three predict the variant abolishes a 5' splicing donor site. However, these predictions have yet to be confirmed by functional studies. The variant allele was found at a frequency of 3.1e-05 in 1613196 control chromosomes in the gnomAD database, including 1 homozygotes. To our knowledge, no occurrence of c.642+1G>A in individuals affected with Trichohepatoenteric Syndrome and no experimental evidence demonstrating its impact on protein function have been reported. ClinVar contains an entry for this variant (Variation ID: 1311355). Based on the evidence outlined above, the variant was classified as likely pathogenic.

GeneDx
Classification: Uncertain significance. Last evaluated: 2019-10-01. Review status: criteria provided, single submitter. Criteria: GeneDx Variant Classification Process June 2021. Collection method: clinical testing. Allele origin: germline. Affected: yes.
Comment: Canonical splice site variant predicted to result in an in-frame deletion of a critical region; Has not been previously published as pathogenic or benign to our knowledge

Neuberg Centre For Genomic Medicine, NCGM
Classification: Likely pathogenic for Trichohepatoenteric syndrome 1. Review status: criteria provided, single submitter. Criteria: ACMG Guidelines, 2015. Collection method: clinical testing. Allele origin: germline. Inheritance: Autosomal recessive inheritance. Affected: yes.
Comment: The splice donor c.642+1G>A variant in TTC37 gene has not been reported previously as a pathogenic variant nor as a benign variant, to our knowledge. This variant is reported with the allele frequency of 0.008% in the gnomAD Exomes and novel in 1000 Genomes. This variant has been reported to the ClinVar database as Uncertain Significance / Likely Pathogenic. The variant affects the GT donor splice site downstream of exon 9. This variant is predicted to cause loss of normal protein function either through protein truncation or nonsense-mediated mRNA decay. Loss of function variants have been previously reported to be disease causing. The spliceAI tool predicts that this splice site variant is damaging. For these reasons, this variant has been classified as Likely Pathogenic.

Literature cited by the submitters: PubMed 16199547 (cited by Labcorp Genetics (formerly Invitae), Labcorp); PubMed 20176027 (cited by Labcorp Genetics (formerly Invitae), Labcorp); PubMed 21120949 (cited by Labcorp Genetics (formerly Invitae), Labcorp).